The following is an entry in ClinVar:

NM_006904.7(PRKDC):c.2893A>G (p.Thr965Ala)

Gene: PRKDC (protein kinase, DNA-activated, catalytic subunit; minus strand). Cytogenetic location: 8q11.21.
Variant type: single nucleotide variant.
Coding change: c.2893A>G on transcript NM_006904.7 (MANE Select); coding-DNA position 2893, A replaced by G.
Protein change: p.Thr965Ala; replaces threonine 965 with alanine.
Molecular consequence: missense variant.
Genome position (GRCh38, 1-based): chr8:47,912,451, T>C on the plus strand (A>G on the coding strand, the complement: PRKDC is on the minus strand). VCF-style: chr8-47912451-T-C. GRCh37 (hg19) VCF-style: chr8-48825011-T-C.
Other names: c.2893A>G, p.Thr965Ala (NM_001081640.2); short protein forms T965A.
Identifiers: ClinVar variation 1797325 (VCV001797325.2), dbSNP rs766248588, ClinGen allele CA371158742.

ClinVar aggregate classification (germline): Uncertain significance (1 of 4 stars; one submission).

Submission:

Ambry Genetics
Classification: Uncertain significance. Last evaluated: 2021-07-16. Review status: criteria provided, single submitter. Criteria: Ambry Variant Classification Scheme 2023. Collection method: clinical testing. Allele origin: germline.
Comment: The p.T965A variant (also known as c.2893A>G), located in coding exon 25 of the PRKDC gene, results from an A to G substitution at nucleotide position 2893. The threonine at codon 965 is replaced by alanine, an amino acid with similar properties. This amino acid position is conserved. In addition, this alteration is predicted to be tolerated by in silico analysis. Since supporting evidence is limited at this time, the clinical significance of this alteration remains unclear.